The following is an entry in ClinVar:

ClinVar aggregate classification (germline): Uncertain significance (1 of 4 stars; one submission).

Conditions:
Epidermodysplasia verruciformis. Identifiers: Orphanet 302, MedGen C0014522, MONDO:0009176.

Allele frequency attached by ClinVar (database versions not stated): gnomAD exomes below 0.00001.
gnomAD v4.1: 2 of 1,613,428 alleles (0.00012%); highest among the groups gnomAD compares: Non-Finnish European, 0.00017%; no homozygotes.

Submission:

Labcorp Genetics (formerly Invitae), Labcorp
Classification: Uncertain significance for Epidermodysplasia verruciformis. Last evaluated: 2024-08-31. Review status: criteria provided, single submitter. Criteria: Invitae Variant Classification Sherloc (09022015). Collection method: clinical testing. Allele origin: germline.
Comment: This sequence change replaces proline, which is neutral and non-polar, with leucine, which is neutral and non-polar, at codon 24 of the TMC6 protein (p.Pro24Leu). This variant is not present in population databases (gnomAD no frequency). This variant has not been reported in the literature in individuals affected with TMC6-related conditions. ClinVar contains an entry for this variant (Variation ID: 1484024). An algorithm developed to predict the effect of missense changes on protein structure and function (PolyPhen-2) suggests that this variant is likely to be tolerated. In summary, the available evidence is currently insufficient to determine the role of this variant in disease. Therefore, it has been classified as a Variant of Uncertain Significance.

NM_001127198.5(TMC6):c.71C>T (p.Pro24Leu)

Gene: TMC6 (transmembrane channel like 6; minus strand). Cytogenetic location: 17q25.3.
Variant type: single nucleotide variant.
Coding change: c.71C>T on transcript NM_001127198.5 (MANE Select); coding-DNA position 71, C replaced by T.
Protein change: p.Pro24Leu; replaces proline 24 with leucine.
Molecular consequence: missense variant. On other transcripts: non-coding transcript variant (4).
Genome position (GRCh38, 1-based): chr17:78,126,634, G>A on the plus strand (C>T on the coding strand, the complement: TMC6 is on the minus strand). VCF-style: chr17-78126634-G-A. GRCh37 (hg19) VCF-style: chr17-76122715-G-A.
Other names: c.71C>T, p.Pro24Leu (NM_001321185.1, NM_001374593.1, NM_001374594.1 and 4 more transcripts); short protein forms P24L.
Identifiers: ClinVar variation 1484024 (VCV001484024.6), dbSNP rs2145423257, ClinGen allele CA401236898.